The following is an entry in ClinVar:

NM_006767.4(LZTR1):c.2261A>T (p.Asn754Ile)

Gene: LZTR1 (leucine zipper like post translational regulator 1; plus strand). Cytogenetic location: 22q11.21.
Variant type: single nucleotide variant.
Coding change: c.2261A>T on transcript NM_006767.4 (MANE Select); coding-DNA position 2261, A replaced by T.
Protein change: p.Asn754Ile; replaces asparagine 754 with isoleucine.
Molecular consequence: missense variant.
Genome position (GRCh38, 1-based): chr22:20,996,737, A>T. VCF-style: chr22-20996737-A-T. GRCh37 (hg19) VCF-style: chr22-21351026-A-T.
Other names: short protein forms N754I.
Identifiers: ClinVar variation 3994171 (VCV003994171.1).
Genomic context (GRCh38, chr22:20,996,737, plus strand): 5'-CTCCTTAACCAGGCCCCAGCTACTTGTTTGCGGCCCCCTACTACTACGGCTTCTACAACA[A>T]CCGGCTGCAGGCGTACTGCAAGCAGAACCTGGAGATGAACGTGACGGTGCAGAACGTGCT-3'
Protein context (NP_006758.2, residues 744-764): AAPYYYGFYN[Asn754Ile]RLQAYCKQNL

ClinVar aggregate classification (germline): Uncertain significance (1 of 4 stars; one submission).

Conditions:
Cardiovascular phenotype. Identifiers: MedGen CN230736.
Hereditary cancer-predisposing syndrome. Also called: Tumor predisposition; Hereditary neoplastic syndrome; Neoplastic Syndromes, Hereditary; Hereditary Cancer Syndrome. Identifiers: Orphanet 140162, MedGen C0027672, MeSH D009386, MONDO:0015356.

Submission:

Ambry Genetics
Classification: Uncertain significance for Cardiovascular phenotype; Hereditary cancer-predisposing syndrome. Last evaluated: 2025-05-25. Review status: criteria provided, single submitter. Criteria: Ambry Variant Classification Scheme 2023. Collection method: clinical testing. Allele origin: germline.
Comment: The p.N754I variant (also known as c.2261A>T), located in coding exon 19 of the LZTR1 gene, results from an A to T substitution at nucleotide position 2261. The asparagine at codon 754 is replaced by isoleucine, an amino acid with dissimilar properties. This amino acid position is conserved. In addition, the in silico prediction for this alteration is inconclusive. Based on the available evidence, the clinical significance of this variant remains unclear.